The following is an entry in ClinVar:

NM_001244008.2(KIF1A):c.203C>T (p.Ala68Val)

Gene: KIF1A (kinesin family member 1A; minus strand). Cytogenetic location: 2q37.3.
Variant type: single nucleotide variant.
Coding change: c.203C>T on transcript NM_001244008.2 (MANE Select); coding-DNA position 203, C replaced by T.
Protein change: p.Ala68Val; replaces alanine 68 with valine.
Molecular consequence: missense variant.
Genome position (GRCh38, 1-based): chr2:240,788,211, G>A on the plus strand (C>T on the coding strand, the complement: KIF1A is on the minus strand). VCF-style: chr2-240788211-G-A. GRCh37 (hg19) VCF-style: chr2-241727628-G-A.
Other names: c.203C>T, p.Ala68Val (NM_001320705.2, NM_001330289.2, NM_001330290.2 and 20 more transcripts); short protein forms A68V.
Identifiers: ClinVar variation 439848 (VCV000439848.15), dbSNP rs550027484, ClinGen allele CA2208852.

ClinVar aggregate classification (germline): Uncertain significance. Review status: criteria provided, multiple submitters, no conflicts (2 of 4 stars). 2 submissions from 2 submitters: Uncertain significance (2). Last evaluated 2026-01-05.

Conditions:
Hereditary spastic paraplegia 30. Identifiers: Orphanet 101010, MedGen C5235139, MONDO:0012476.
Neuropathy, hereditary sensory, type 2C. Also called: Hereditary sensory and autonomic neuropathy type IIC; KIF1A-Related HSAN2 (HSAN2C). Identifiers: Orphanet 970, MedGen C3280168, MONDO:0013634, OMIM 614213.
Intellectual disability, autosomal dominant 9 (NESCAVS). Also called: KIF1A-Related Neurodevelopmental Disorder; NESCAV SYNDROME. Identifiers: Orphanet 662367, MedGen C5393830, MONDO:0013656, OMIM 614255.

Allele frequency attached by ClinVar (database versions not stated): gnomAD 0.00001 and 0.00002; gnomAD exomes 0.00001 and 0.00002; TOPMed 0.00002; ExAC 0.00003; 1000 Genomes Project 30x 0.00016; 1000 Genomes Project 0.00020.
gnomAD v4.1: 17 of 1,613,772 alleles (0.0011%); highest among the groups gnomAD compares: East Asian, 0.0045%; no homozygotes.

Submissions (2):

Labcorp Genetics (formerly Invitae), Labcorp
Classification: Uncertain significance for Hereditary spastic paraplegia 30; Neuropathy, hereditary sensory, type 2C; Intellectual disability, autosomal dominant 9. Last evaluated: 2026-01-05. Review status: criteria provided, single submitter. Criteria: Invitae Variant Classification Sherloc (09022015). Collection method: clinical testing. Allele origin: germline.
Comment: This sequence change replaces alanine, which is neutral and non-polar, with valine, which is neutral and non-polar, at codon 68 of the KIF1A protein (p.Ala68Val). This variant is present in population databases (rs550027484, gnomAD 0.01%). This variant has not been reported in the literature in individuals affected with KIF1A-related conditions. ClinVar contains an entry for this variant (Variation ID: 439848). Invitae Evidence Modeling of protein sequence and biophysical properties (such as structural, functional, and spatial information, amino acid conservation, physicochemical variation, residue mobility, and thermodynamic stability) indicates that this missense variant is expected to disrupt KIF1A protein function with a positive predictive value of 95%. In summary, the available evidence is currently insufficient to determine the role of this variant in disease. Therefore, it has been classified as a Variant of Uncertain Significance.

ARUP Laboratories, Molecular Genetics and Genomics, ARUP Laboratories
Classification: Uncertain significance. Last evaluated: 2017-04-28. Review status: criteria provided, single submitter. Criteria: ARUP Molecular Germline Variant Investigation Process. Collection method: clinical testing. Allele origin: germline.